The following is an entry in ClinVar:

ClinVar aggregate classification (germline): Uncertain significance (1 of 4 stars; one submission).

Conditions:
Immunodeficiency, common variable, 10. Also called: IMMUNODEFICIENCY, COMMON VARIABLE, WITH CENTRAL ADRENAL INSUFFICIENCY; DEFICIT IN ANTERIOR PITUITARY FUNCTION AND VARIABLE IMMUNODEFICIENCY. Identifiers: MedGen C3809991, MONDO:0014260, OMIM 615577.

Submission:

Labcorp Genetics (formerly Invitae), Labcorp
Classification: Uncertain significance for Immunodeficiency, common variable, 10. Last evaluated: 2025-06-23. Review status: criteria provided, single submitter. Criteria: Invitae Variant Classification Sherloc (09022015). Collection method: clinical testing. Allele origin: germline.
Comment: This sequence change creates a premature translational stop signal (p.Arg853Glufs*10) in the NFKB2 gene. While this is not anticipated to result in nonsense mediated decay, it is expected to disrupt the last 48 amino acid(s) of the NFKB2 protein. This variant is not present in population databases (gnomAD no frequency). This variant has not been reported in the literature in individuals affected with NFKB2-related conditions. In summary, the available evidence is currently insufficient to determine the role of this variant in disease. Therefore, it has been classified as a Variant of Uncertain Significance.

NM_001322934.2(NFKB2):c.2557del (p.Arg853fs)

Gene: NFKB2 (nuclear factor kappa B subunit 2; plus strand). Cytogenetic location: 10q24.32.
Variant type: Deletion.
Coding change: c.2557del on transcript NM_001322934.2 (MANE Select); coding-DNA position 2557, one base deleted (C; older notation c.2557delC).
Protein change: p.Arg853fs; shifts the reading frame from arginine 853.
Molecular consequence: frameshift variant.
Genome position (GRCh38, 1-based): chr10:102,402,138, C deleted; the last of 3 consecutive C bases (chr10:102,402,136-102,402,138); deleting any one gives the same sequence. VCF-style (leftmost placement, unchanged base first): chr10-102402135-AC-A. GRCh37 (hg19) VCF-style: chr10-104161892-AC-A.
Other names: c.2557del, p.Arg853fs (NM_001077494.3, NM_001261403.3, NM_001288724.1 and 1 more transcripts); c.2431del, p.Arg811fs (NM_001322935.1); short protein forms R853fs, R811fs.
Identifiers: ClinVar variation 4721982 (VCV004721982.1).